The following is an entry in ClinVar:

ClinVar aggregate classification (germline): Uncertain significance (1 of 4 stars; one submission).

Conditions:
Primary hyperoxaluria, type II (HP2). Also called: D-GLYCERATE DEHYDROGENASE DEFICIENCY; GLYCERIC ACIDURIA; GLYOXYLATE REDUCTASE/HYDROXYPYRUVATE REDUCTASE DEFICIENCY; OXALOSIS II; Primary hyperoxaluria type 2. Identifiers: Orphanet 416, Orphanet 93599, MedGen C0268165, MONDO:0009824, OMIM 260000. Disease mechanism: loss of function.

Submission:

3billion
Classification: Uncertain significance for Primary hyperoxaluria, type II. Last evaluated: 2024-10-31. Review status: criteria provided, single submitter. Criteria: ACMG Guidelines, 2015. Collection method: clinical testing. Allele origin: germline. Affected: yes.
Comment: The variant is not observed in the gnomAD v4.1.0 dataset. Predicted Consequence/Location: Synonymous variant In silico tools predict the variant to alter splicing and produce an abnormal transcript [SpliceAI: 0.73 (>=0.2, moderate evidence for spliceogenicity)]. Therefore, this variant is classified as VUS according to the recommendation of ACMG/AMP guideline.

NM_012203.2(GRHPR):c.54G>A (p.Glu18=)

Gene: GRHPR (glyoxylate and hydroxypyruvate reductase; plus strand). Cytogenetic location: 9p13.2.
Variant type: single nucleotide variant.
Coding change: c.54G>A on transcript NM_012203.2 (MANE Select); coding-DNA position 54, G replaced by A.
Protein change: p.Glu18=; no amino-acid change (glutamic acid 18 retained).
Molecular consequence: synonymous variant.
Genome position (GRCh38, 1-based): chr9:37,422,804, G>A. VCF-style: chr9-37422804-G-A. GRCh37 (hg19) VCF-style: chr9-37422801-G-A.
Identifiers: ClinVar variation 4293436 (VCV004293436.1).